The following is an entry in ClinVar:

NC_000007.14:g.(?_5977582)_(5977763_?)del

Gene: PMS2 (PMS1 homolog 2, mismatch repair system component; minus strand). Cytogenetic location: 7p22.1.
Variant type: Deletion.
Identifiers: ClinVar variation 455088 (VCV000455088.1).

ClinVar aggregate classification (germline): Pathogenic (1 of 4 stars; one submission).

Conditions:
Hereditary nonpolyposis colorectal neoplasms. Identifiers: MedGen C0009405, MeSH D003123.

Submission:

Labcorp Genetics (formerly Invitae), Labcorp
Classification: Pathogenic for Hereditary nonpolyposis colon cancer. Last evaluated: 2018-04-23. Review status: criteria provided, single submitter. Criteria: Invitae Variant Classification Sherloc (09022015). Collection method: clinical testing. Allele origin: germline.
Comment: This sequence change is a gross deletion of the genomic region encompassing exon 14 of the PMS2 gene. This creates a premature translational stop signal in the last exon and a truncated PMS2 protein, removing the C-terminal portion of the MLH1 interaction domain (PMID: 10037723). Deletions of exon 14 have been reported in individuals with Lynch syndrome-associated tumors (PMID: 23837913, 23012243, 20186688, 26320870, 23288611). Loss-of-function variants in PMS2 are known to be pathogenic (PMID: 21376568, 24362816). For these reasons, this variant has been classified as Pathogenic.

Literature cited by the submitters: PubMed 23288611; PubMed 20186688; PubMed 23837913; PubMed 23012243; PubMed 26320870; PubMed 10037723.